The following is an entry in ClinVar:

ClinVar aggregate classification (germline): Uncertain significance (1 of 4 stars; one submission).

Conditions:
Werner syndrome (WRN). Identifiers: Orphanet 902, MedGen C0043119, MONDO:0010196, OMIM 277700.

Submission:

Labcorp Genetics (formerly Invitae), Labcorp
Classification: Uncertain significance for Werner syndrome. Last evaluated: 2022-10-21. Review status: criteria provided, single submitter. Criteria: Invitae Variant Classification Sherloc (09022015). Collection method: clinical testing. Allele origin: germline.
Comment: In summary, the available evidence is currently insufficient to determine the role of this variant in disease. Therefore, it has been classified as a Variant of Uncertain Significance. Algorithms developed to predict the effect of missense changes on protein structure and function are either unavailable or do not agree on the potential impact of this missense change (SIFT: "Not Available"; PolyPhen-2: "Benign"; Align-GVGD: "Not Available"). This variant has not been reported in the literature in individuals affected with WRN-related conditions. This variant is not present in population databases (gnomAD no frequency). This sequence change replaces lysine, which is basic and polar, with glutamine, which is neutral and polar, at codon 525 of the WRN protein (p.Lys525Gln).

NM_000553.6(WRN):c.1573A>C (p.Lys525Gln)

Gene: WRN (WRN RecQ like helicase; plus strand). Cytogenetic location: 8p12.
Variant type: single nucleotide variant.
Coding change: c.1573A>C on transcript NM_000553.6 (MANE Select); coding-DNA position 1573, A replaced by C.
Protein change: p.Lys525Gln; replaces lysine 525 with glutamine.
Molecular consequence: missense variant.
Genome position (GRCh38, 1-based): chr8:31,087,917, A>C. VCF-style: chr8-31087917-A-C. GRCh37 (hg19) VCF-style: chr8-30945433-A-C.
Other names: short protein forms K525Q.
Identifiers: ClinVar variation 2895824 (VCV002895824.3), dbSNP rs1813600027, ClinGen allele CA370925003.